The following is an entry in ClinVar:

ClinVar aggregate classification (germline): Uncertain significance. Review status: criteria provided, multiple submitters, no conflicts (2 of 4 stars). 4 submissions from 4 submitters: Uncertain significance (3). 1 of the submissions does not count toward it. Last evaluated 2024-10-30.

Conditions:
Becker muscular dystrophy (BMD). Also called: MUSCULAR DYSTROPHY, PSEUDOHYPERTROPHIC PROGRESSIVE, BECKER TYPE; Becker Muscular Dystrophy (BMD). Identifiers: Orphanet 98895, MedGen C0917713, MONDO:0010311, OMIM 300376.
Dilated cardiomyopathy 3B (CMD3B). Also called: CMD3B: DMD-Related Dilated Cardiomyopathy; CARDIOMYOPATHY, DILATED, X-LINKED; DMD-Associated Dilated Cardiomyopathy. Identifiers: Orphanet 154, MedGen C3668940, MONDO:0010542, OMIM 302045.
Duchenne muscular dystrophy (DMD). Also called: MUSCULAR DYSTROPHY, PSEUDOHYPERTROPHIC PROGRESSIVE, DUCHENNE TYPE; Duchenne Muscular Dystrophy (DMD). Identifiers: Orphanet 98896, MedGen C0013264, MONDO:0010679, OMIM 310200.
Cardiomyopathy (CMYO). Also called: Cardiomyopathies. Identifiers: Orphanet 167848, MedGen C0878544, MONDO:0004994, HP:0001638. Inheritance: Various modes of inheritance.
Dystrophin deficiency.

Allele frequency attached by ClinVar (database versions not stated): 1000 Genomes Project below 0.00001; gnomAD exomes below 0.00001 and 0.00001; TOPMed 0.00001; gnomAD 0.00002.
gnomAD v4.1: 6 of 1,209,203 alleles (0.0005%); highest among the groups gnomAD compares: East Asian, 0.0059%; no homozygotes.

Submissions (4):

Labcorp Genetics (formerly Invitae), Labcorp
Classification: Uncertain significance for Duchenne muscular dystrophy. Last evaluated: 2024-10-30. Review status: criteria provided, single submitter. Criteria: Invitae Variant Classification Sherloc (09022015). Collection method: clinical testing. Allele origin: germline.
Comment: This sequence change replaces arginine, which is basic and polar, with cysteine, which is neutral and slightly polar, at codon 2263 of the DMD protein (p.Arg2263Cys). This variant is present in population databases (rs200045725, gnomAD 0.01%). This missense change has been observed in individual(s) with dilated cardiomyopathy (PMID: 31983221). ClinVar contains an entry for this variant (Variation ID: 499301). Invitae Evidence Modeling of protein sequence and biophysical properties (such as structural, functional, and spatial information, amino acid conservation, physicochemical variation, residue mobility, and thermodynamic stability) indicates that this missense variant is not expected to disrupt DMD protein function with a negative predictive value of 95%. In summary, the available evidence is currently insufficient to determine the role of this variant in disease. Therefore, it has been classified as a Variant of Uncertain Significance.

Fulgent Genetics
Classification: Uncertain significance for Becker muscular dystrophy; Dilated cardiomyopathy 3B; Duchenne muscular dystrophy. Last evaluated: 2021-11-09. Review status: criteria provided, single submitter. Criteria: ACMG Guidelines, 2015. Collection method: clinical testing. Allele origin: unknown.

Eurofins Ntd Llc (ga)
Classification: Uncertain significance. Last evaluated: 2017-01-04. Review status: criteria provided, single submitter. Criteria: EGL Classification Definitions 2015. Collection method: clinical testing. Allele origin: germline. Observed: 1 variant allele, 1 heterozygote.

Natera, Inc.
Classification: Uncertain significance for Becker muscular dystrophy; Cardiomyopathy; Duchenne muscular dystrophy; Dystrophin deficiency. Last evaluated: 2019-09-23. Review status: no assertion criteria provided. Collection method: clinical testing. Allele origin: germline. Not counted in ClinVar's aggregate classification.

Literature cited by the submitters: PubMed 31983221 (cited by Labcorp Genetics (formerly Invitae), Labcorp).

NM_004006.3(DMD):c.6787C>T (p.Arg2263Cys)

Gene: DMD (dystrophin; minus strand). Cytogenetic location: Xp21.1.
Variant type: single nucleotide variant.
Coding change: c.6787C>T on transcript NM_004006.3 (MANE Select); coding-DNA position 6787, C replaced by T.
Protein change: p.Arg2263Cys; replaces arginine 2263 with cysteine.
Molecular consequence: missense variant. On other transcripts: 5 prime UTR variant (5).
Genome position (GRCh38, 1-based): chrX:31,929,721, G>A on the plus strand (C>T on the coding strand, the complement: DMD is on the minus strand). VCF-style: chrX-31929721-G-A. GRCh37 (hg19) VCF-style: chrX-31947838-G-A.
Other names: c.6763C>T, p.Arg2255Cys (NM_000109.4); c.6775C>T, p.Arg2259Cys (NM_004009.3); c.6418C>T, p.Arg2140Cys (NM_004010.3); c.2764C>T, p.Arg922Cys (NM_004011.4); c.2755C>T, p.Arg919Cys (NM_004012.4); c.-594C>T (NM_004013.3, NM_004020.4, NM_004021.3 and 2 more transcripts); short protein forms R2263C, R2140C, R2255C, R919C, R922C, R2259C.
Identifiers: ClinVar variation 499301 (VCV000499301.11), dbSNP rs200045725, ClinGen allele CA328487634.